The following is an entry in ClinVar:

ClinVar aggregate classification (germline): Uncertain significance. Review status: criteria provided, multiple submitters, no conflicts (2 of 4 stars). 2 submissions from 2 submitters: Uncertain significance (2). Last evaluated 2024-02-24.

Allele frequency attached by ClinVar (database versions not stated): gnomAD exomes below 0.00001; TOPMed below 0.00001; gnomAD 0.00001.
gnomAD v4.1: 3 of 1,209,634 alleles (0.00025%); highest among the groups gnomAD compares: East Asian, 0.003%; no homozygotes.

Submissions (2):

Labcorp Genetics (formerly Invitae), Labcorp
Classification: Uncertain significance. Last evaluated: 2024-02-24. Review status: criteria provided, single submitter. Criteria: Invitae Variant Classification Sherloc (09022015). Collection method: clinical testing. Allele origin: germline.
Comment: This sequence change replaces aspartic acid, which is acidic and polar, with glycine, which is neutral and non-polar, at codon 1020 of the NEXMIF protein (p.Asp1020Gly). This variant is present in population databases (no rsID available, gnomAD 0.008%). This variant has not been reported in the literature in individuals affected with NEXMIF-related conditions. An algorithm developed to predict the effect of missense changes on protein structure and function (PolyPhen-2) suggests that this variant is likely to be tolerated. In summary, the available evidence is currently insufficient to determine the role of this variant in disease. Therefore, it has been classified as a Variant of Uncertain Significance.

Ambry Genetics
Classification: Uncertain significance. Last evaluated: 2024-01-03. Review status: criteria provided, single submitter. Criteria: Ambry Variant Classification Scheme 2023. Collection method: clinical testing. Allele origin: germline.

NM_001008537.3(NEXMIF):c.3059A>G (p.Asp1020Gly)

Gene: NEXMIF (neurite extension and migration factor; minus strand). Cytogenetic location: Xq13.3.
Variant type: single nucleotide variant.
Coding change: c.3059A>G on transcript NM_001008537.3 (MANE Select); coding-DNA position 3059, A replaced by G.
Protein change: p.Asp1020Gly; replaces aspartic acid 1020 with glycine.
Molecular consequence: missense variant.
Genome position (GRCh38, 1-based): chrX:74,741,498, T>C on the plus strand (A>G on the coding strand, the complement: NEXMIF is on the minus strand). VCF-style: chrX-74741498-T-C. GRCh37 (hg19) VCF-style: chrX-73961333-T-C.
Other names: short protein forms D1020G.
Identifiers: ClinVar variation 3195637 (VCV003195637.3), dbSNP rs1236171193, ClinGen allele CA413666809.
Genomic context (GRCh38, chrX:74,741,498, plus strand): 5'-ATGCTTTGCTGGATCACCAGCTTAGGGCTGCAATGGGCCAGGAAGTCATCAGTGATATCA[T>C]CATCGCCATCCTTTTCACAGGACTTCAAGCTTAAGGAGCAATAATTACTTGAGCTGACAG-3'
Protein context (NP_001008537.1, residues 1010-1030): SLKSCEKDGD[Asp1020Gly]DITDDFLAHC